The following is an entry in ClinVar:

NM_001048174.2(MUTYH):c.1445G>C (p.Arg482Thr)

Gene: MUTYH (mutY DNA glycosylase; minus strand). Cytogenetic location: 1p34.1.
Variant type: single nucleotide variant.
Coding change: c.1445G>C on transcript NM_001048174.2 (MANE Select); coding-DNA position 1445, G replaced by C.
Protein change: p.Arg482Thr; replaces arginine 482 with threonine.
Molecular consequence: missense variant. On other transcripts: non-coding transcript variant (7).
Genome position (GRCh38, 1-based): chr1:45,329,427, C>G on the plus strand (G>C on the coding strand, the complement: MUTYH is on the minus strand). VCF-style: chr1-45329427-C-G. GRCh37 (hg19) VCF-style: chr1-45795099-C-G.
Other names: c.1445G>C, p.Arg482Thr (NM_001048171.2, NM_001048173.2, NM_001293195.2 and 6 more transcripts); c.1448G>C, p.Arg483Thr (NM_001048172.2, NM_001407071.1, NM_001407078.1 and 1 more transcripts); c.1529G>C, p.Arg510Thr (NM_001128425.2); c.1490G>C, p.Arg497Thr (NM_001293190.2); c.1478G>C, p.Arg493Thr (NM_001293191.2, NM_001407069.1, NM_001407077.1); c.1169G>C, p.Arg390Thr (NM_001293192.2, NM_001293196.2, NM_001407091.1); c.1100G>C, p.Arg367Thr (NM_001350650.2, NM_001350651.2, NM_001407082.1); c.1361G>C, p.Arg454Thr (NM_001407075.1); and 5 more; short protein forms R367T, R469T, R482T, R510T, R454T, R493T, R390T, R483T.
Identifiers: ClinVar variation 4113331 (VCV004113331.1).
Genomic context (GRCh38, chr1:45,329,427, plus strand): 5'-TCCAGGACTTGCTGGCCCATGCGGGGCTTTTTCCGACTGCACGGAGAGGACACCTGGGAC[C>G]TTTTGGAACCCTGTGAAAAAATGGAAGGAGGGAGGCCTTGTAGTTGGGGGAGGGGGAGCA-3'
Protein context (NP_001041639.1, residues 472-492): QQPGTCMGSK[Arg482Thr]SQVSSPCSRK

ClinVar aggregate classification (germline): Uncertain significance (1 of 4 stars; one submission).

Conditions:
Hereditary cancer-predisposing syndrome. Also called: Tumor predisposition; Neoplastic Syndromes, Hereditary; Hereditary neoplastic syndrome; Hereditary Cancer Syndrome. Identifiers: Orphanet 140162, MedGen C0027672, MeSH D009386, MONDO:0015356.

Submission:

Ambry Genetics
Classification: Uncertain significance for Hereditary cancer-predisposing syndrome. Last evaluated: 2025-08-27. Review status: criteria provided, single submitter. Criteria: Ambry Variant Classification Scheme 2023. Collection method: clinical testing. Allele origin: germline.
Comment: The p.R510T variant (also known as c.1529G>C), located in coding exon 16 of the MUTYH gene, results from a G to C substitution at nucleotide position 1529. The arginine at codon 510 is replaced by threonine, an amino acid with similar properties. This amino acid position is conserved. In addition, this alteration is predicted to be tolerated by in silico analysis. Based on the available evidence, the clinical significance of this variant remains unclear.